The following is an entry in ClinVar:

NM_001609.4(ACADSB):c.1128+1G>A

Gene: ACADSB (acyl-CoA dehydrogenase short/branched chain; plus strand). Cytogenetic location: 10q26.13.
Variant type: single nucleotide variant.
Coding change: c.1128+1G>A on transcript NM_001609.4 (MANE Select); the canonical splice donor site of the intron after coding-DNA position 1128, G replaced by A.
Molecular consequence: splice donor variant.
Genome position (GRCh38, 1-based): chr10:123,051,187, G>A. VCF-style: chr10-123051187-G-A. GRCh37 (hg19) VCF-style: chr10-124810703-G-A.
Other names: c.822+1G>A (NM_001330174.3).
Identifiers: ClinVar variation 1066905 (VCV001066905.9), dbSNP rs1564754571, ClinGen allele CA378622224.
Genomic context (GRCh38, chr10:123,051,187, plus strand): 5'-TTAGAAGCTGGAAAGCCATTCATAAAAGAAGCGTCAATGGCCAAATACTATGCATCAGAG[G>A]TAAAAAAAAAAAAAAAAAAAAAAAAGGAAAAAGTAATTCAGCCTTTTTTTTTTCAGATAT-3'

ClinVar aggregate classification (germline): Likely pathogenic. Review status: criteria provided, multiple submitters, no conflicts (2 of 4 stars). 2 submissions from 2 submitters: Likely pathogenic (2). Last evaluated 2024-03-16.

Conditions:
Deficiency of 2-methylbutyryl-CoA dehydrogenase (ACADSB). Also called: 2-methylbutyryl-CoA dehydrogenase deficiency; SBCAD deficiency; 2-methylbutyric aciduria; Short branched-chain acyl-CoA dehydrogenase deficiency; 2-methylbutyrylglycinuria. Identifiers: Orphanet 79157, MedGen C1864912, MONDO:0012392, OMIM 610006, HP:0020147.

Allele frequency attached by ClinVar (database versions not stated): gnomAD exomes below 0.00001 and 0.00005.

Submissions (2):

Fulgent Genetics
Classification: Likely pathogenic for Deficiency of 2-methylbutyryl-CoA dehydrogenase. Last evaluated: 2024-03-16. Review status: criteria provided, single submitter. Criteria: ACMG Guidelines, 2015. Collection method: clinical testing. Allele origin: germline.

Labcorp Genetics (formerly Invitae), Labcorp
Classification: Likely pathogenic for Deficiency of 2-methylbutyryl-CoA dehydrogenase. Last evaluated: 2017-06-13. Review status: criteria provided, single submitter. Criteria: Invitae Variant Classification Sherloc (09022015). Collection method: clinical testing. Allele origin: germline.
Comment: This sequence change affects a donor splice site in intron 9 of the ACADSB gene. It is expected to disrupt RNA splicing and likely results in an absent or disrupted protein product. This variant is not present in population databases (ExAC no frequency). This variant has not been reported in the literature in individuals with a ACADSB-related disease. Algorithms developed to predict the effect of sequence changes on RNA splicing suggest that this variant may disrupt the consensus splice site, but this prediction has not been confirmed by published transcriptional studies. Donor and acceptor splice site variants typically lead to a loss of protein function (PMID: 16199547), and loss-of-function variants in ACADSB are known to be pathogenic (PMID: 20547083). In summary, the currently available evidence indicates that the variant is pathogenic, but additional data are needed to prove that conclusively. Therefore, this variant has been classified as Likely Pathogenic.

Literature cited by the submitters: PubMed 16199547 (cited by Labcorp Genetics (formerly Invitae), Labcorp); PubMed 20547083 (cited by Labcorp Genetics (formerly Invitae), Labcorp).